The following is an entry in ClinVar:

ClinVar aggregate classification (germline): Likely benign (1 of 4 stars; one submission).

Allele frequency attached by ClinVar (database versions not stated): 1000 Genomes Project 30x 0.00109; 1000 Genomes Project 0.00140; TOPMed 0.00288; ExAC 0.00343; ESP Exome Variant Server 0.00446.
gnomAD v4.1: 7,968 of 1,613,822 alleles (0.49%); highest among the groups gnomAD compares: Non-Finnish European, 0.6%; 30 homozygotes.

Submission:

CeGaT Center for Human Genetics Tuebingen
Classification: Likely benign. Last evaluated: 2025-03-01. Review status: criteria provided, single submitter. Criteria: CeGaT Center For Human Genetics Tuebingen Variant Classification Criteria Version 2. Collection method: clinical testing. Allele origin: germline. Affected: yes. Observed: 3 variant alleles.
Comment: CFAP65: BP4, BP7, BS2

NM_194302.4(CFAP65):c.3369C>T (p.Thr1123=)

Gene: CFAP65 (cilia and flagella associated protein 65; minus strand). Cytogenetic location: 2q35.
Variant type: single nucleotide variant.
Coding change: c.3369C>T on transcript NM_194302.4 (MANE Select); coding-DNA position 3369, C replaced by T.
Protein change: p.Thr1123=; no amino-acid change (threonine 1123 retained).
Molecular consequence: synonymous variant.
Genome position (GRCh38, 1-based): chr2:219,019,610, G>A on the plus strand (C>T on the coding strand, the complement: CFAP65 is on the minus strand). VCF-style: chr2-219019610-G-A. GRCh37 (hg19) VCF-style: chr2-219884332-G-A.
Identifiers: ClinVar variation 2651907 (VCV002651907.24), dbSNP rs145661891, ClinGen allele CA2115349.
Genomic context (GRCh38, chr2:219,019,610, plus strand): 5'-GTCACGCTCCAAGTAACTGTTAAGCAGGTCCAGAGAGAAGAGGCGCCACAGGTGCTTCCG[G>A]GTGATACCCTCAGCACTGCCCATGGAGCTGACATCCAGGATGGAAAGCAAGGGGTACACG-3'
Protein context (NP_919278.2, residues 1113-1133): VSSMGSAEGI[Thr1123=]RKHLWRLFSL